The following is an entry in ClinVar:

ClinVar aggregate classification (germline): Uncertain significance (1 of 4 stars; one submission).

Conditions:
Charcot-Marie-Tooth disease type 4. Also called: Charcot-Marie-Tooth disease, type IV; Charcot-Marie-Tooth, Type 4. Identifiers: Orphanet 64749, MedGen C4082197, MONDO:0018995.

Submission:

Labcorp Genetics (formerly Invitae), Labcorp
Classification: Uncertain significance for Charcot-Marie-Tooth disease type 4. Last evaluated: 2024-11-11. Review status: criteria provided, single submitter. Criteria: Invitae Variant Classification Sherloc (09022015). Collection method: clinical testing. Allele origin: germline.
Comment: This sequence change replaces glutamic acid, which is acidic and polar, with glycine, which is neutral and non-polar, at codon 467 of the PRX protein (p.Glu467Gly). This variant is not present in population databases (gnomAD no frequency). This variant has not been reported in the literature in individuals affected with PRX-related conditions. ClinVar contains an entry for this variant (Variation ID: 1046041). An algorithm developed to predict the effect of missense changes on protein structure and function (PolyPhen-2) suggests that this variant is likely to be disruptive. In summary, the available evidence is currently insufficient to determine the role of this variant in disease. Therefore, it has been classified as a Variant of Uncertain Significance.

NM_181882.3(PRX):c.1400A>G (p.Glu467Gly)

Gene: PRX (periaxin; minus strand). Cytogenetic location: 19q13.2.
Variant type: single nucleotide variant.
Coding change: c.1400A>G on transcript NM_181882.3 (MANE Select); coding-DNA position 1400, A replaced by G.
Protein change: p.Glu467Gly; replaces glutamic acid 467 with glycine.
Molecular consequence: missense variant. On other transcripts: 3 prime UTR variant (1).
Genome position (GRCh38, 1-based): chr19:40,396,952, T>C on the plus strand (A>G on the coding strand, the complement: PRX is on the minus strand). VCF-style: chr19-40396952-T-C. GRCh37 (hg19) VCF-style: chr19-40902859-T-C.
Other names: c.*1605A>G (NM_020956.2); short protein forms E467G.
Identifiers: ClinVar variation 1046041 (VCV001046041.8), dbSNP rs2079445212, ClinGen allele CA405898472.